The following is an entry in ClinVar:

ClinVar aggregate classification (germline): Benign/Likely benign. Review status: criteria provided, multiple submitters, no conflicts (2 of 4 stars). 7 submissions from 7 submitters: Benign (2); Likely benign (2). 3 of the submissions do not count toward it. Last evaluated 2026-09-01.

Allele frequency attached by ClinVar (database versions not stated): 1000 Genomes Project 0.00100; 1000 Genomes Project 30x 0.00109; TOPMed 0.00326; ExAC 0.00332; gnomAD 0.00339 and 0.00357; gnomAD exomes 0.00346 and 0.00553; ESP Exome Variant Server 0.00477.
gnomAD v4.1: 8,591 of 1,614,190 alleles (0.53%); highest among the groups gnomAD compares: Non-Finnish European, 0.66%; 31 homozygotes.

Submissions (7):

CeGaT Center for Human Genetics Tuebingen
Classification: Likely benign. Last evaluated: 2026-09-01. Review status: criteria provided, single submitter. Criteria: CeGaT Center For Human Genetics Tuebingen Variant Classification Criteria Version 2. Collection method: clinical testing. Allele origin: germline. Affected: yes. Observed: 70 variant alleles.
Comment: KIF1B: BP4, BP7, BS2

ARUP Laboratories, Molecular Genetics and Genomics, ARUP Laboratories
Classification: Benign. Last evaluated: 2025-06-05. Review status: criteria provided, single submitter. Criteria: ARUP Molecular Germline Variant Investigation Process 2024. Collection method: clinical testing. Allele origin: germline.

Blueprint Genetics
Classification: Likely benign. Last evaluated: 2024-11-26. Review status: criteria provided, single submitter. Criteria: ACMG Guidelines, 2015. Collection method: clinical testing. Allele origin: germline.

Breakthrough Genomics
Classification: Benign. Review status: criteria provided, single submitter. Criteria: ACMG Guidelines, 2015. Collection method: not provided. Allele origin: germline. Inheritance: Autosomal dominant inheritance. Affected: yes.

Clinical Genetics DNA and cytogenetics Diagnostics Lab, Erasmus MC, Erasmus Medical Center
Classification: Likely benign. Review status: no assertion criteria provided. Collection method: clinical testing. Allele origin: germline. Affected: yes. Study: VKGL Data-share Consensus. Not counted in ClinVar's aggregate classification.

Clinical Genetics, Academic Medical Center
Classification: Benign. Review status: no assertion criteria provided. Collection method: clinical testing. Allele origin: germline. Affected: yes. Study: VKGL Data-share Consensus. Not counted in ClinVar's aggregate classification.

Genome Diagnostics Laboratory, University Medical Center Utrecht
Classification: Likely benign. Review status: no assertion criteria provided. Collection method: clinical testing. Allele origin: germline. Affected: yes. Study: VKGL Data-share Consensus. Not counted in ClinVar's aggregate classification.

NM_001365951.3(KIF1B):c.2115+6183T>C

Gene: KIF1B (kinesin family member 1B; plus strand). Cytogenetic location: 1p36.22.
Variant type: single nucleotide variant.
Coding change: c.2115+6183T>C on transcript NM_001365951.3 (MANE Select); 6183 bases into the intron after coding-DNA position 2115, T replaced by C.
Molecular consequence: intron variant. On other transcripts: synonymous variant (2).
Genome position (GRCh38, 1-based): chr1:10,303,429, T>C. VCF-style: chr1-10303429-T-C. GRCh37 (hg19) VCF-style: chr1-10363487-T-C.
Other names: c.2244T>C, p.Ala748= (NM_001365953.1, NM_183416.4); c.1977+6183T>C (NM_015074.3); c.2115+6183T>C (NM_001365952.1).
Identifiers: ClinVar variation 995587 (VCV000995587.43), dbSNP rs149241091, ClinGen allele CA581211.